The following is an entry in ClinVar:

ClinVar aggregate classification (germline): Conflicting classifications of pathogenicity. Review status: criteria provided, conflicting classifications (1 of 4 stars). 3 submissions from 3 submitters: Uncertain significance (2); Likely benign (1). Last evaluated 2025-06-20.

Conditions:
Arrhythmogenic right ventricular dysplasia 11. Also called: ARRHYTHMOGENIC RIGHT VENTRICULAR DYSPLASIA, FAMILIAL, 11; Arrhythmogenic Right Ventricular Dysplasia/Cardiomyopathy11; Arrhythmogenic right ventricular dysplasia 11 with mild palmoplantar keratoderma and woolly hair. Identifiers: MedGen C1864850, MONDO:0012506, OMIM 610476.
Familial isolated arrhythmogenic right ventricular dysplasia. Identifiers: Orphanet 217656, MedGen C4274968, MONDO:0016342.
Cardiomyopathy (CMYO). Also called: Cardiomyopathies. Identifiers: Orphanet 167848, MedGen C0878544, MONDO:0004994, HP:0001638. Inheritance: Various modes of inheritance.

Allele frequency attached by ClinVar (database versions not stated): TOPMed 0.00001.
gnomAD v4.1: 3 of 1,613,984 alleles (0.00019%); highest among the groups gnomAD compares: Non-Finnish European, 0.00025%; no homozygotes.

Submissions (3):

Color Diagnostics, LLC DBA Color Health
Classification: Likely benign for Cardiomyopathy. Last evaluated: 2025-06-20. Review status: criteria provided, single submitter. Criteria: ACMG Guidelines, 2015. Collection method: clinical testing. Allele origin: germline.

Labcorp Genetics (formerly Invitae), Labcorp
Classification: Uncertain significance for Arrhythmogenic right ventricular dysplasia 11. Last evaluated: 2025-01-28. Review status: criteria provided, single submitter. Criteria: Invitae Variant Classification Sherloc (09022015). Collection method: clinical testing. Allele origin: germline.
Comment: This sequence change replaces methionine, which is neutral and non-polar, with lysine, which is basic and polar, at codon 589 of the DSC2 protein (p.Met589Lys). This variant is present in population databases (no rsID available, gnomAD 0.0009%). This variant has not been reported in the literature in individuals affected with DSC2-related conditions. ClinVar contains an entry for this variant (Variation ID: 921704). Invitae Evidence Modeling of protein sequence and biophysical properties (such as structural, functional, and spatial information, amino acid conservation, physicochemical variation, residue mobility, and thermodynamic stability) indicates that this missense variant is not expected to disrupt DSC2 protein function with a negative predictive value of 80%. In summary, the available evidence is currently insufficient to determine the role of this variant in disease. Therefore, it has been classified as a Variant of Uncertain Significance.

All of Us Research Program, National Institutes of Health
Classification: Uncertain significance for Familial isolated arrhythmogenic right ventricular dysplasia. Last evaluated: 2023-04-27. Review status: criteria provided, single submitter. Criteria: ACMG Guidelines, 2015. Collection method: clinical testing. Allele origin: germline. Inheritance: Autosomal dominant inheritance. Observed: 1 variant allele, 1 heterozygote.
Comment: This missense variant replaces methionine with lysine at codon 589 of the DSC2 protein. Computational prediction tool suggests that this variant may not impact protein structure and function (internally defined REVEL score threshold <=0.5, PMID: 27666373). Splice site prediction tools suggest that this variant may not impact RNA splicing. To our knowledge, functional studies have not been performed for this variant. This variant has not been reported in individuals affected with cardiovascular disorders in the literature. This variant has been identified in 1/251062 chromosomes in the general population by the Genome Aggregation Database (gnomAD). The available evidence is insufficient to determine the role of this variant in disease conclusively. Therefore, this variant is classified as a Variant of Uncertain Significance.

This study involves interpretation of variants in research participants for the purpose of population health screening. Participant phenotype was not available at the time of variant classification. Additional details can be found in publication PMID: 35346344, PMCID: PMC8962531

NM_024422.6(DSC2):c.1766T>A (p.Met589Lys)

Gene: DSC2 (desmocollin 2; minus strand). Cytogenetic location: 18q12.1.
Variant type: single nucleotide variant.
Coding change: c.1766T>A on transcript NM_024422.6 (MANE Select); coding-DNA position 1766, T replaced by A.
Protein change: p.Met589Lys; replaces methionine 589 with lysine.
Molecular consequence: missense variant.
Genome position (GRCh38, 1-based): chr18:31,074,805, A>T on the plus strand (T>A on the coding strand, the complement: DSC2 is on the minus strand). VCF-style: chr18-31074805-A-T. GRCh37 (hg19) VCF-style: chr18-28654771-A-T.
Other names: c.1766T>A, p.Met589Lys (NM_004949.5); short protein forms M589K.
Identifiers: ClinVar variation 921704 (VCV000921704.8), dbSNP rs201856473, ClinGen allele CA402114106.